The following is an entry in ClinVar:

NM_001267550.2(TTN):c.8459A>G (p.His2820Arg)

Gene: TTN (titin; minus strand). Cytogenetic location: 2q31.2.
Variant type: single nucleotide variant.
Coding change: c.8459A>G on transcript NM_001267550.2 (MANE Select); coding-DNA position 8459, A replaced by G.
Protein change: p.His2820Arg; replaces histidine 2820 with arginine.
Molecular consequence: missense variant.
Genome position (GRCh38, 1-based): chr2:178,770,242, T>C on the plus strand (A>G on the coding strand, the complement: TTN is on the minus strand). VCF-style: chr2-178770242-T-C. GRCh37 (hg19) VCF-style: chr2-179634969-T-C.
Other names: p.H2820R:CAT>CGT; c.8459A>G, p.His2820Arg (NM_001256850.1, NM_133378.4, NM_133379.5); c.8321A>G, p.His2774Arg (NM_003319.4, NM_133432.3, NM_133437.4); short protein forms H2820R, H2774R.
Identifiers: ClinVar variation 203159 (VCV000203159.2), dbSNP rs794729581, ClinGen allele CA311505.

ClinVar aggregate classification (germline): Uncertain significance (1 of 4 stars; one submission).

Allele frequency attached by ClinVar (database versions not stated): gnomAD exomes below 0.00001; gnomAD 0.00001 and 0.00002; TOPMed 0.00001.
gnomAD v4.1: 11 of 1,614,046 alleles (0.00068%); highest among the groups gnomAD compares: African/African-American, 0.0013%; no homozygotes.

Submission:

GeneDx
Classification: Uncertain significance. Last evaluated: 2014-10-10. Review status: criteria provided, single submitter. Criteria: GeneDx Variant Classification (06012015). Collection method: clinical testing. Allele origin: germline. Affected: yes.
Comment: Missense variants in the TTN gene are considered 'unclassified' if they are not previously reported in the literature and do not have >1% frequency in the population to be considered a polymorphism. Research indicates that truncating mutations in the TTN gene are expected to account for approximately 25% of familial and 18% of sporadic idiopathic DCM; however, truncating variants in the TTN gene have been reported in approximately 3% of reported control alleles. There has been little investigation into non-truncating variants. (Herman D et al. Truncations of titin causing dilated cardiomyopathy. N Eng J Med 366:619-628, 2012) The variant is found in CARDIOMYOPATHY panel(s).